The following is an entry in ClinVar:

NM_001276345.2(TNNT2):c.430C>G (p.Arg144Gly)

Gene: TNNT2 (troponin T2, cardiac type; minus strand). Cytogenetic location: 1q32.1.
Variant type: single nucleotide variant.
Coding change: c.430C>G on transcript NM_001276345.2 (MANE Select); coding-DNA position 430, C replaced by G.
Protein change: p.Arg144Gly; replaces arginine 144 with glycine.
Molecular consequence: missense variant.
Genome position (GRCh38, 1-based): chr1:201,364,357, G>C on the plus strand (C>G on the coding strand, the complement: TNNT2 is on the minus strand). VCF-style: chr1-201364357-G-C. GRCh37 (hg19) VCF-style: chr1-201333485-G-C.
Other names: c.430C>G, p.Arg144Gly (NM_000364.4); c.400C>G, p.Arg134Gly (NM_001001430.3, NM_001001431.3, NM_001276347.2); c.385C>G, p.Arg129Gly (NM_001001432.3); c.310C>G, p.Arg104Gly (NM_001276346.2); short protein forms R134G, R144G, R129G, R104G.
Identifiers: ClinVar variation 43639 (VCV000043639.11), dbSNP rs45525839, ClinGen allele CA004479.

ClinVar aggregate classification (germline): Pathogenic/Likely pathogenic. Review status: criteria provided, multiple submitters, no conflicts (2 of 4 stars). 5 submissions from 3 submitters: Pathogenic (1); Likely pathogenic (4). Last evaluated 2023-04-11.

Conditions:
Hypertrophic cardiomyopathy 2. Also called: TNNT2-Related Familial Hypertrophic Cardiomyopathy. Identifiers: MedGen C1861864, MONDO:0007266, OMIM 115195.
Cardiomyopathy, familial restrictive, 3. Identifiers: Orphanet 75249, MedGen C2676271, MONDO:0012900, OMIM 612422.
Dilated cardiomyopathy 1D. Identifiers: Orphanet 154, Orphanet 54260, MedGen C1832243, MONDO:0011095, OMIM 601494.
Primary dilated cardiomyopathy (DCM). Also called: Dilated Cardiomyopathy. Identifiers: Orphanet 217604, MedGen C0007193, MeSH D002311, MONDO:0005021, HP:0001644. Inheritance: Various modes of inheritance.

Submissions (5):

Genome-Nilou Lab
Classification: Likely pathogenic for Dilated cardiomyopathy 1D. Last evaluated: 2023-04-11. Review status: criteria provided, single submitter. Criteria: ACMG Guidelines, 2015. Collection method: clinical testing. Allele origin: germline. Affected: no.

Genome-Nilou Lab
Classification: Likely pathogenic for Cardiomyopathy, familial restrictive, 3. Last evaluated: 2023-04-11. Review status: criteria provided, single submitter. Criteria: ACMG Guidelines, 2015. Collection method: clinical testing. Allele origin: germline. Affected: no.

Genome-Nilou Lab
Classification: Likely pathogenic for Hypertrophic cardiomyopathy 2. Last evaluated: 2023-04-11. Review status: criteria provided, single submitter. Criteria: ACMG Guidelines, 2015. Collection method: clinical testing. Allele origin: germline. Affected: no.

Labcorp Genetics (formerly Invitae), Labcorp
Classification: Pathogenic for Cardiomyopathy, familial restrictive, 3; Hypertrophic cardiomyopathy 2; Dilated cardiomyopathy 1D. Last evaluated: 2022-04-17. Review status: criteria provided, single submitter. Criteria: Invitae Variant Classification Sherloc (09022015). Collection method: clinical testing. Allele origin: germline.
Comment: This sequence change replaces arginine, which is basic and polar, with glycine, which is neutral and non-polar, at codon 134 of the TNNT2 protein (p.Arg134Gly). This variant is not present in population databases (gnomAD no frequency). This missense change has been observed in individuals with dilated cardiomyopathy (PMID: 20031601, 33025817). It has also been observed to segregate with disease in related individuals. ClinVar contains an entry for this variant (Variation ID: 43639). For these reasons, this variant has been classified as Pathogenic. Experimental studies have shown that this missense change affects TNNT2 function (PMID: 20031601, 34161147). Algorithms developed to predict the effect of missense changes on protein structure and function (SIFT, PolyPhen-2, Align-GVGD) all suggest that this variant is likely to be disruptive.

Laboratory for Molecular Medicine, Mass General Brigham Personalized Medicine
Classification: Likely pathogenic for Primary dilated cardiomyopathy. Last evaluated: 2014-02-21. Review status: criteria provided, single submitter. Criteria: LMM Criteria. Collection method: clinical testing. Allele origin: germline. Inheritance: Autosomal dominant inheritance. Observed: 4 variant alleles.
Comment: The Arg134Gly variant in TNNT2 has been reported in 1 individual with DCM, was a bsent from 506 control chromosomes, and segregated with disease in 4 affected re latives from 1 family (Hershberger 2008, Hershberger 2009). Data from large popu lation studies is insufficient to assess the frequency of this variant. Arginine (Arg) at position 134 is conserved in evolution and the change to glycine (Gly) was p redicted to be pathogenic using a computational tool clinically validated by our laboratory. This tool's pathogenic prediction is estimated to be correct 94% of the time (Jordan 2011). In summary, this variant is likely pathogenic, though a dditional studies are required to fully establish its clinical significance.

Literature cited by the submitters: PubMed 20031601 (cited by Labcorp Genetics (formerly Invitae), Labcorp and Laboratory for Molecular Medicine, Mass General Brigham Personalized Medicine); PubMed 33025817 (cited by Labcorp Genetics (formerly Invitae), Labcorp); PubMed 34161147 (cited by Labcorp Genetics (formerly Invitae), Labcorp); PubMed 19412328 (cited by Laboratory for Molecular Medicine, Mass General Brigham Personalized Medicine).